The following is an entry in ClinVar:

NM_152490.5(B3GALNT2):c.730A>G (p.Asn244Asp)

Gene: B3GALNT2 (beta-1,3-N-acetylgalactosaminyltransferase 2; minus strand). Cytogenetic location: 1q42.3.
Variant type: single nucleotide variant.
Coding change: c.730A>G on transcript NM_152490.5 (MANE Select); coding-DNA position 730, A replaced by G.
Protein change: p.Asn244Asp; replaces asparagine 244 with aspartic acid.
Molecular consequence: missense variant.
Genome position (GRCh38, 1-based): chr1:235,470,882, T>C on the plus strand (A>G on the coding strand, the complement: B3GALNT2 is on the minus strand). VCF-style: chr1-235470882-T-C. GRCh37 (hg19) VCF-style: chr1-235634196-T-C.
Other names: c.853A>G, p.Asn285Asp (NM_001277155.3); short protein forms N244D, N285D.
Identifiers: ClinVar variation 2109624 (VCV002109624.4), dbSNP rs2527230594, ClinGen allele CA344919921.

ClinVar aggregate classification (germline): Uncertain significance (1 of 4 stars; one submission).

Conditions:
Muscular dystrophy-dystroglycanopathy (congenital with brain and eye anomalies), type a, 11 (MDDGA11). Also called: WALKER-WARBURG SYNDROME OR MUSCLE-EYE-BRAIN DISEASE, B3GALNT2-RELATED; Muscular dystrophy-dystroglycanopathy (congenital with brain and eye anomalies, type A, 11; Congenital muscular dystrophy-dystroglycanopathy with brain and eye anomalies, type A11. Identifiers: Orphanet 588, Orphanet 899, MedGen C3554638, MONDO:0014071, OMIM 615181.

Submission:

Labcorp Genetics (formerly Invitae), Labcorp
Classification: Uncertain significance for Muscular dystrophy-dystroglycanopathy (congenital with brain and eye anomalies), type a, 11. Last evaluated: 2023-02-06. Review status: criteria provided, single submitter. Criteria: Invitae Variant Classification Sherloc (09022015). Collection method: clinical testing. Allele origin: germline.
Comment: This sequence change replaces asparagine, which is neutral and polar, with aspartic acid, which is acidic and polar, at codon 244 of the B3GALNT2 protein (p.Asn244Asp). In summary, the available evidence is currently insufficient to determine the role of this variant in disease. Therefore, it has been classified as a Variant of Uncertain Significance. Advanced modeling of protein sequence and biophysical properties (such as structural, functional, and spatial information, amino acid conservation, physicochemical variation, residue mobility, and thermodynamic stability) performed at Invitae indicates that this missense variant is not expected to disrupt B3GALNT2 protein function. This variant has not been reported in the literature in individuals affected with B3GALNT2-related conditions. This variant is not present in population databases (gnomAD no frequency).